The following is an entry in ClinVar:

ClinVar aggregate classification (germline): Uncertain significance. Review status: criteria provided, single submitter (1 of 4 stars). 2 submissions from 2 submitters: Uncertain significance (1). 1 of the submissions does not count toward it. Last evaluated 2022-01-26.

Conditions:
Hypoplastic pancreas-intestinal atresia-hypoplastic gallbalder syndrome. Also called: DIABETES, NEONATAL, WITH PANCREATIC HYPOPLASIA, INTESTINAL ATRESIA, AND GALLBLADDER APLASIA OR HYPOPLASIA; Mitchell-Riley syndrome. Identifiers: Orphanet 293864, MedGen C2748662, MONDO:0017400, OMIM 615710.

Allele frequency attached by ClinVar (database versions not stated): gnomAD exomes below 0.00001; ExAC 0.00001; gnomAD 0.00001; TOPMed 0.00001.
gnomAD v4.1: 7 of 1,604,728 alleles (0.00044%); highest among the groups gnomAD compares: East Asian, 0.0022%; no homozygotes.

Submissions (2):

GeneDx
Classification: Uncertain significance. Last evaluated: 2022-01-26. Review status: criteria provided, single submitter. Criteria: GeneDx Variant Classification Process June 2021. Collection method: clinical testing. Allele origin: germline. Affected: yes.
Comment: Observed with a second variant (in trans) in two patients with Mitchell-Riley syndrome belonging to a single family in published literature (Sansbury et al., 2015); Nonsense variant predicted to result in protein truncation as the last 63 amino acids are lost, although loss-of-function variants have not been reported downstream of this position in the protein; Not observed at significant frequency in large population cohorts (gnomAD); This variant is associated with the following publications: (PMID: 26559129, 26264437)

OMIM
Classification: Pathogenic for MITCHELL-RILEY SYNDROME. Last evaluated: 2024-11-22. Review status: no assertion criteria provided. Collection method: literature only. Allele origin: germline. Not counted in ClinVar's aggregate classification.

Literature cited by the submitters: PubMed 26264437 (cited by OMIM).

NM_173560.4(RFX6):c.2596C>T (p.Arg866Ter)

Gene: RFX6 (regulatory factor X6; plus strand). Cytogenetic location: 6q22.1.
Variant type: single nucleotide variant.
Coding change: c.2596C>T on transcript NM_173560.4 (MANE Select); coding-DNA position 2596, C replaced by T.
Protein change: p.Arg866Ter; replaces arginine 866 with a stop codon.
Molecular consequence: nonsense.
Genome position (GRCh38, 1-based): chr6:116,928,956, C>T. VCF-style: chr6-116928956-C-T. GRCh37 (hg19) VCF-style: chr6-117250119-C-T.
Other names: short protein forms R866*.
Identifiers: ClinVar variation 223241 (VCV000223241.4), dbSNP rs749827445, ClinGen allele CA088910.